The following is an entry in ClinVar:

NM_145068.4(TRPV3):c.956G>A (p.Arg319His)

Gene: TRPV3 (transient receptor potential cation channel subfamily V member 3; minus strand). Cytogenetic location: 17p13.2.
Variant type: single nucleotide variant.
Coding change: c.956G>A on transcript NM_145068.4 (MANE Select); coding-DNA position 956, G replaced by A.
Protein change: p.Arg319His; replaces arginine 319 with histidine.
Molecular consequence: missense variant.
Genome position (GRCh38, 1-based): chr17:3,532,766, C>T on the plus strand (G>A on the coding strand, the complement: TRPV3 is on the minus strand). VCF-style: chr17-3532766-C-T. GRCh37 (hg19) VCF-style: chr17-3436060-C-T.
Other names: c.956G>A, p.Arg319His (NM_001258205.2); short protein forms R319H.
Identifiers: ClinVar variation 322783 (VCV000322783.5), dbSNP rs151284467, ClinGen allele CA8289657.

ClinVar aggregate classification (germline): Benign (1 of 4 stars; one submission).

Conditions:
Isolated focal non-epidermolytic palmoplantar keratoderma. Also called: Palmoplantar keratoderma, nonepidermolytic, focal 2. Identifiers: Orphanet 448264, MedGen C4225339, MONDO:0014622, OMIM 616400.

Allele frequency attached by ClinVar (database versions not stated): TOPMed 0.00002.
gnomAD v4.1: 19 of 1,614,148 alleles (0.0012%); highest among the groups gnomAD compares: African/African-American, 0.008%; no homozygotes.

Submission:

Illumina Laboratory Services, Illumina
Classification: Benign for Isolated focal non-epidermolytic palmoplantar keratoderma. Last evaluated: 2018-01-12. Review status: criteria provided, single submitter. Criteria: ICSL Variant Classification Criteria 13 December 2019. Collection method: clinical testing. Allele origin: germline.
Comment: This variant was observed in the ICSL laboratory as part of a predisposition screen in an ostensibly healthy population. It had not been previously curated by ICSL or reported in the Human Gene Mutation Database (HGMD: prior to June 1st, 2018), and was therefore a candidate for classification through an automated scoring system. Utilizing variant allele frequency, disease prevalence and penetrance estimates, and inheritance mode, an automated score was calculated to assess if this variant is too frequent to cause the disease. Based on the score and internal cut-off values, a variant classified as benign is not then subjected to further curation. The score for this variant resulted in a classification of benign for this disease.